The following is an entry in ClinVar:

NM_001008212.2(OPTN):c.1677A>C (p.Gly559=)

Gene: OPTN (optineurin; plus strand). Cytogenetic location: 10p13.
Variant type: single nucleotide variant.
Coding change: c.1677A>C on transcript NM_001008212.2 (MANE Select); coding-DNA position 1677, A replaced by C.
Protein change: p.Gly559=; no amino-acid change (glycine 559 retained).
Molecular consequence: synonymous variant.
Genome position (GRCh38, 1-based): chr10:13,136,809, A>C. VCF-style: chr10-13136809-A-C. GRCh37 (hg19) VCF-style: chr10-13178809-A-C.
Other names: c.1677A>C, p.Gly559= (NM_001008211.1, NM_001008213.1, NM_021980.4).
Identifiers: ClinVar variation 3349344 (VCV003349344.1).

ClinVar aggregate classification (germline): Likely benign (0 of 4 stars; one submission).

Conditions:
OPTN-related disorder. Also called: OPTN-related condition; OPTN-related disorders.

Submission:

PreventionGenetics, part of Exact Sciences
Classification: Likely benign for OPTN-related condition. Last evaluated: 2023-09-25. Review status: no assertion criteria provided. Collection method: clinical testing. Allele origin: germline.
Comment: This variant is classified as likely benign based on ACMG/AMP sequence variant interpretation guidelines (Richards et al. 2015 PMID: 25741868, with internal and published modifications).